The following is an entry in ClinVar:

ClinVar aggregate classification (germline): Uncertain significance. Review status: criteria provided, multiple submitters, no conflicts (2 of 4 stars). 2 submissions from 2 submitters: Uncertain significance (2). Last evaluated 2024-01-09.

Conditions:
Familial cancer of breast. Also called: hereditary breast carcinoma; BREAST CANCER, FAMILIAL; Hereditary breast cancer. Identifiers: Orphanet 227535, MedGen C0346153, MONDO:0016419, OMIM 114480. Disease mechanism: loss of function.

Allele frequency attached by ClinVar (database versions not stated): gnomAD exomes below 0.00001.
gnomAD v4.1: 1 of 1,599,624 alleles (0.000063%); highest among the groups gnomAD compares: Non-Finnish European, 0.000086%; no homozygotes.

Submissions (2):

Labcorp Genetics (formerly Invitae), Labcorp
Classification: Uncertain significance for Familial cancer of breast. Last evaluated: 2024-01-09. Review status: criteria provided, single submitter. Criteria: Invitae Variant Classification Sherloc (09022015). Collection method: clinical testing. Allele origin: germline.
Comment: This sequence change falls in intron 7 of the BARD1 gene. It does not directly change the encoded amino acid sequence of the BARD1 protein. It affects a nucleotide within the consensus splice site. This variant is not present in population databases (gnomAD no frequency). This variant has not been reported in the literature in individuals affected with BARD1-related conditions. Variants that disrupt the consensus splice site are a relatively common cause of aberrant splicing (PMID: 17576681, 9536098). Studies have shown that this variant is associated with inconclusive levels of altered splicing (Invitae). In summary, the available evidence is currently insufficient to determine the role of this variant in disease. Therefore, it has been classified as a Variant of Uncertain Significance.

Baylor Genetics
Classification: Uncertain significance for Familial cancer of breast. Last evaluated: 2022-06-03. Review status: criteria provided, single submitter. Criteria: ACMG Guidelines, 2015. Collection method: clinical testing. Allele origin: unknown.

Literature cited by the submitters: PubMed 17576681 (cited by Labcorp Genetics (formerly Invitae), Labcorp); PubMed 9536098 (cited by Labcorp Genetics (formerly Invitae), Labcorp).

NM_000465.4(BARD1):c.1677+4A>C

Gene: BARD1 (BRCA1 associated RING domain 1; minus strand). Cytogenetic location: 2q35.
Variant type: single nucleotide variant.
Coding change: c.1677+4A>C on transcript NM_000465.4 (MANE Select); 4 bases into the intron after coding-DNA position 1677, A replaced by C.
Molecular consequence: intron variant.
Genome position (GRCh38, 1-based): chr2:214,752,443, T>G on the plus strand (A>C on the coding strand, the complement: BARD1 is on the minus strand). VCF-style: chr2-214752443-T-G. GRCh37 (hg19) VCF-style: chr2-215617167-T-G.
Other names: c.267+4A>C (NM_001282548.2); c.1620+4A>C (NM_001282543.2); c.324+4A>C (NM_001282545.2); c.365-21935A>C (NM_001282549.2).
Identifiers: ClinVar variation 2679937 (VCV002679937.4), dbSNP rs2106038503, ClinGen allele CA2662970720.